The following is an entry in ClinVar:

NM_001163435.3(TBCK):c.197G>T (p.Arg66Leu)

Gene: TBCK (TBC1 domain containing kinase; minus strand). Cytogenetic location: 4q24.
Variant type: single nucleotide variant.
Coding change: c.197G>T on transcript NM_001163435.3 (MANE Select); coding-DNA position 197, G replaced by T.
Protein change: p.Arg66Leu; replaces arginine 66 with leucine.
Molecular consequence: missense variant. On other transcripts: 5 prime UTR variant (1).
Genome position (GRCh38, 1-based): chr4:106,295,163, C>A on the plus strand (G>T on the coding strand, the complement: TBCK is on the minus strand). VCF-style: chr4-106295163-C-A. GRCh37 (hg19) VCF-style: chr4-107216320-C-A.
Other names: c.197G>T, p.Arg66Leu (NM_001163436.4, NM_001163437.3, NM_033115.5); c.-421G>T (NM_001290768.2); short protein forms R66L.
Identifiers: ClinVar variation 1953757 (VCV001953757.2), dbSNP rs35784409, ClinGen allele CA103420332.

ClinVar aggregate classification (germline): Uncertain significance (1 of 4 stars; one submission).

gnomAD v4.1: 12 of 1,608,966 alleles (0.00075%); highest among the groups gnomAD compares: African/African-American, 0.0013%; no homozygotes.

Submission:

Labcorp Genetics (formerly Invitae), Labcorp
Classification: Uncertain significance. Last evaluated: 2022-09-19. Review status: criteria provided, single submitter. Criteria: Invitae Variant Classification Sherloc (09022015). Collection method: clinical testing. Allele origin: germline.
Comment: This sequence change replaces arginine, which is basic and polar, with leucine, which is neutral and non-polar, at codon 66 of the TBCK protein (p.Arg66Leu). This variant is present in population databases (rs35784409, gnomAD 0.002%). This variant has not been reported in the literature in individuals affected with TBCK-related conditions. Advanced modeling of protein sequence and biophysical properties (such as structural, functional, and spatial information, amino acid conservation, physicochemical variation, residue mobility, and thermodynamic stability) has been performed at Invitae for this missense variant, however the output from this modeling did not meet the statistical confidence thresholds required to predict the impact of this variant on TBCK protein function. In summary, the available evidence is currently insufficient to determine the role of this variant in disease. Therefore, it has been classified as a Variant of Uncertain Significance.